The following is an entry in ClinVar:

ClinVar aggregate classification (germline): Pathogenic (1 of 4 stars; one submission).

Conditions:
Bardet-Biedl syndrome (BBS). Identifiers: Orphanet 110, MedGen C0752166, MONDO:0015229.

Submission:

Labcorp Genetics (formerly Invitae), Labcorp
Classification: Pathogenic for Bardet-Biedl syndrome. Last evaluated: 2025-09-30. Review status: criteria provided, single submitter. Criteria: Invitae Variant Classification Sherloc (09022015). Collection method: clinical testing. Allele origin: germline.
Comment: This sequence change creates a premature translational stop signal (p.Lys579Thrfs*25) in the BBS10 gene. While this is not anticipated to result in nonsense mediated decay, it is expected to disrupt the last 145 amino acid(s) of the BBS10 protein. This variant is not present in population databases (gnomAD no frequency). This variant has not been reported in the literature in individuals affected with BBS10-related conditions. This variant disrupts a region of the BBS10 protein in which other variant(s) (p.Arg709*) have been determined to be pathogenic (PMID: 29666954). This suggests that this is a clinically significant region of the protein, and that variants that disrupt it are likely to be disease-causing. For these reasons, this variant has been classified as Pathogenic.

Literature cited by the submitters: PubMed 29666954.

NM_024685.4(BBS10):c.1736_1740del (p.Lys579fs)

Gene: BBS10 (Bardet-Biedl syndrome 10; minus strand). Cytogenetic location: 12q21.2.
Variant type: Deletion.
Coding change: c.1736_1740del on transcript NM_024685.4 (MANE Select); coding-DNA positions 1736 to 1740, 5 bases deleted (AGTTA; older notation c.1736_1740delAGTTA).
Protein change: p.Lys579fs; shifts the reading frame from lysine 579.
Molecular consequence: frameshift variant.
Genome position (GRCh38, 1-based): chr12:76,346,245-76,346,249, TAACT deleted on the plus strand (AGTTA on the coding strand, the reverse complement: BBS10 is on the minus strand); deleting any 5 consecutive bases within chr12:76,346,245-76,346,251 gives the same sequence; the c. name uses the placement nearest the transcript's 3' end. VCF-style (leftmost placement, unchanged base first): chr12-76346244-GTAACT-G. GRCh37 (hg19) VCF-style: chr12-76740024-GTAACT-G.
Other names: short protein forms K579fs.
Identifiers: ClinVar variation 4745648 (VCV004745648.1).